The following is an entry in ClinVar:

ClinVar aggregate classification (germline): Uncertain significance. Review status: criteria provided, multiple submitters, no conflicts (2 of 4 stars). 2 submissions from 2 submitters: Uncertain significance (2). Last evaluated 2025-07-13.

Conditions:
Progressive microcephaly-seizures-cortical blindness-developmental delay syndrome. Also called: Seizures, cortical blindness, and microcephaly syndrome. Identifiers: Orphanet 477814, MedGen C5567650, MONDO:0014714, OMIM 616632.
Autosomal dominant nonsyndromic hearing loss 1. Also called: KONIGSMARK SYNDROME; DEAFNESS, AUTOSOMAL DOMINANT 1, WITH OR WITHOUT THROMBOCYTOPENIA. Identifiers: Orphanet 90635, MedGen C1852282, MONDO:0007424, OMIM 124900.

gnomAD v4.1: 13 of 1,613,302 alleles (0.00081%); highest among the groups gnomAD compares: Middle Eastern, 0.017%; no homozygotes.

Submissions (2):

Labcorp Genetics (formerly Invitae), Labcorp
Classification: Uncertain significance for Progressive microcephaly-seizures-cortical blindness-developmental delay syndrome; Autosomal dominant nonsyndromic hearing loss 1. Last evaluated: 2025-07-13. Review status: criteria provided, single submitter. Criteria: Invitae Variant Classification Sherloc (09022015). Collection method: clinical testing. Allele origin: germline.
Comment: This sequence change replaces glycine, which is neutral and non-polar, with arginine, which is basic and polar, at codon 744 of the DIAPH1 protein (p.Gly744Arg). This variant is present in population databases (rs764025674, gnomAD 0.004%). This variant has not been reported in the literature in individuals affected with DIAPH1-related conditions. ClinVar contains an entry for this variant (Variation ID: 3761727). Experimental studies and prediction algorithms are not available or were not evaluated, and the functional significance of this variant is currently unknown. In summary, the available evidence is currently insufficient to determine the role of this variant in disease. Therefore, it has been classified as a Variant of Uncertain Significance.

Blueprint Genetics
Classification: Uncertain significance. Last evaluated: 2024-11-08. Review status: criteria provided, single submitter. Criteria: ACMG Guidelines, 2015. Collection method: clinical testing. Allele origin: germline.

NM_005219.5(DIAPH1):c.2230G>A (p.Gly744Arg)

Gene: DIAPH1 (diaphanous related formin 1; minus strand). Cytogenetic location: 5q31.3.
Variant type: single nucleotide variant.
Coding change: c.2230G>A on transcript NM_005219.5 (MANE Select); coding-DNA position 2230, G replaced by A.
Protein change: p.Gly744Arg; replaces glycine 744 with arginine.
Molecular consequence: missense variant.
Genome position (GRCh38, 1-based): chr5:141,573,620, C>T on the plus strand (G>A on the coding strand, the complement: DIAPH1 is on the minus strand). VCF-style: chr5-141573620-C-T. GRCh37 (hg19) VCF-style: chr5-140953187-C-T.
Other names: c.2203G>A, p.Gly735Arg (NM_001079812.3); c.2230G>A, p.Gly744Arg (NM_001314007.2); short protein forms G735R, G744R.
Identifiers: ClinVar variation 3761727 (VCV003761727.3).
Genomic context (GRCh38, chr5:141,573,620, plus strand): 5'-GCAGAACTGGGGCTGCAGGAACTCCAAATCCAAATGGGGGAGGTGGAGGCATACCCATTC[C>T]GGGTGGAGGTGGAGGAATGCCAGGGCCTCCGGGAAATGGAGGAGGTGGAGGGATTCCAGG-3'
Protein context (NP_005210.3, residues 734-754): GGPGIPPPPP[Gly744Arg]MGMPPPPPFG